The following is an entry in ClinVar:

ClinVar aggregate classification (germline): Conflicting classifications of pathogenicity. Review status: criteria provided, conflicting classifications (1 of 4 stars). 3 submissions from 3 submitters: Uncertain significance (1); Likely benign (2). Last evaluated 2026-09-23.

Conditions:
Neurofibromatosis, type 1 (NF1). Also called: VON RECKLINGHAUSEN DISEASE; NEUROFIBROMATOSIS, TYPE I, SOMATIC; Neurofibromatosis, type I; Peripheral type neurofibromatosis. Identifiers: Orphanet 636, MedGen C0027831, MONDO:0018975, OMIM 162200. Disease mechanism: loss of function.

Submissions (3):

Myriad Genetics, Inc.
Classification: Likely benign for Neurofibromatosis, type 1. Last evaluated: 2026-09-23. Review status: criteria provided, single submitter. Criteria: Myriad Autosomal Dominant, Autosomal Recessive and X-Linked Classification Criteria (2023). Collection method: clinical testing. Allele origin: unknown.
Comment: This variant is considered likely benign. This variant is intronic and is not expected to impact mRNA splicing.

Labcorp Genetics (formerly Invitae), Labcorp
Classification: Likely benign for Neurofibromatosis, type 1. Last evaluated: 2025-10-10. Review status: criteria provided, single submitter. Criteria: Invitae Variant Classification Sherloc (09022015). Collection method: clinical testing. Allele origin: germline.

Quest Diagnostics Nichols Institute San Juan Capistrano
Classification: Uncertain significance. Last evaluated: 2025-08-01. Review status: criteria provided, single submitter. Criteria: Quest Diagnostics criteria. Collection method: clinical testing. Allele origin: unknown.

NM_001042492.3(NF1):c.6643-8T>C

Gene: NF1 (neurofibromin 1; plus strand). Cytogenetic location: 17q11.2.
Variant type: single nucleotide variant.
Coding change: c.6643-8T>C on transcript NM_001042492.3 (MANE Select); 8 bases into the intron before coding-DNA position 6643, T replaced by C.
Molecular consequence: intron variant.
Genome position (GRCh38, 1-based): chr17:31,337,811, T>C. VCF-style: chr17-31337811-T-C. GRCh37 (hg19) VCF-style: chr17-29664829-T-C.
Other names: c.6580-8T>C (NM_000267.4).
Identifiers: ClinVar variation 457799 (VCV000457799.9), dbSNP rs752079977, ClinGen allele CA658658566.